The following is an entry in ClinVar:

NM_005732.4(RAD50):c.326_329del (p.Thr109fs)

Gene: RAD50 (RAD50 double strand break repair protein; plus strand). Cytogenetic location: 5q31.1.
Variant type: Deletion.
Coding change: c.326_329del on transcript NM_005732.4 (MANE Select); coding-DNA positions 326 to 329, 4 bases deleted (CAGA; older notation c.326_329delCAGA).
Protein change: p.Thr109fs; shifts the reading frame from threonine 109.
Molecular consequence: frameshift variant.
Genome position (GRCh38, 1-based): chr5:132,575,889-132,575,892, CAGA deleted; deleting any 4 consecutive bases within chr5:132,575,886-132,575,892 gives the same sequence; the c. name uses the placement nearest the transcript's 3' end. VCF-style (leftmost placement, unchanged base first): chr5-132575885-AAGAC-A. GRCh37 (hg19) VCF-style: chr5-131911577-AAGAC-A.
Other names: c.326_329del (NM_005732.3); c.323_326delAGAC (NM_005732.4); short protein forms T109fs.
Identifiers: ClinVar variation 128017 (VCV000128017.64), dbSNP rs587780155, ClinGen allele CA288206.
Genomic context (GRCh38, chr5:132,575,885, plus strand): 5'-GATGTCAATGGAGAACTTATAGCTGTGCAAAGATCTATGGTGTGTACTCAGAAAAGCAAA[AAGAC>A]AGAATTTAAAACTCTGGAAGGAGTCATTACTAGAACAAAGTAGGTGTTTATATGATATTT-3'

ClinVar aggregate classification (germline): Conflicting classifications of pathogenicity. Review status: criteria provided, conflicting classifications (1 of 4 stars). 10 submissions from 10 submitters: Pathogenic (5); Likely pathogenic (2); Uncertain significance (1). 2 of the submissions do not count toward it. Last evaluated 2025-07-31.

Conditions:
RAD50-related disorder. Also called: RAD50-related condition.
Hereditary cancer-predisposing syndrome. Also called: Tumor predisposition; Hereditary neoplastic syndrome; Neoplastic Syndromes, Hereditary; Hereditary Cancer Syndrome. Identifiers: Orphanet 140162, MedGen C0027672, MeSH D009386, MONDO:0015356.
Nijmegen breakage syndrome-like disorder (NBSLD). Also called: MICROCEPHALY AND SPONTANEOUS CHROMOSOME INSTABILITY WITHOUT IMMUNODEFICIENCY; NBS-LIKE DISORDER; RAD50 DEFICIENCY. Identifiers: Orphanet 240760, MedGen C2751318, MONDO:0013118, OMIM 613078.
Medulloblastoma (MDB). Also called: Medulloblastoma, somatic; MEDULLOBLASTOMA PREDISPOSITION SYNDROME. Identifiers: Orphanet 616, MedGen C0025149, MeSH D008527, MONDO:0007959, OMIM 155255, HP:0002885.
Breast carcinoma. Also called: Carcinoma of breast. Identifiers: MedGen C0678222, MONDO:0004989, HP:0003002.

Submissions (10):

Labcorp Genetics (formerly Invitae), Labcorp
Classification: Pathogenic for Hereditary cancer-predisposing syndrome. Last evaluated: 2025-07-31. Review status: criteria provided, single submitter. Criteria: Invitae Variant Classification Sherloc (09022015). Collection method: clinical testing. Allele origin: germline.
Comment: This sequence change creates a premature translational stop signal (p.Thr109Asnfs*20) in the RAD50 gene. It is expected to result in an absent or disrupted protein product. Loss-of-function variants in RAD50 are known to be pathogenic (PMID: 19409520). The frequency data for this variant in the population databases is considered unreliable, as metrics indicate poor data quality at this position in the gnomAD database. This premature translational stop signal has been observed in individual(s) with breast cancer (PMID: 26023681). ClinVar contains an entry for this variant (Variation ID: 128017). For these reasons, this variant has been classified as Pathogenic.

Blueprint Genetics
Classification: Likely pathogenic for RAD50-related disorders. Last evaluated: 2024-11-04. Review status: criteria provided, single submitter. Criteria: ACMG Guidelines, 2015. Collection method: clinical testing. Allele origin: germline. Affected: yes. Observed: 5 variant alleles.

Ambry Genetics
Classification: Pathogenic for Hereditary cancer-predisposing syndrome. Last evaluated: 2024-08-28. Review status: criteria provided, single submitter. Criteria: Ambry Variant Classification Scheme 2023. Collection method: clinical testing. Allele origin: germline.
Comment: The c.326_329delCAGA pathogenic mutation, located in coding exon 3 of the RAD50 gene, results from a deletion of 4 nucleotides at nucleotide positions 326 to 329, causing a translational frameshift with a predicted alternate stop codon (p.T109Nfs*20). In one study, this mutation was reported in 6/60,466 breast cancer cases and in 1/53,461 controls (Dorling et al. N Engl J Med. 2021 02;384:428-439).This mutation has also been reported in multiple individuals with personal and/or family histories of breast, colon, prostate, and other cancers (Foley SB et al. EBioMedicine. 2015 Jan;2:74-81; Schrader KA et al. JAMA Oncol. 2016 Jan;2:104-11; Kotoula V et al. Am J Cancer Res, 2017 Jan;7:98-114; Coppa A et al. Cancer Med. 2018 Jan;7:46-55; Perkins BA et al. Proc. Natl. Acad. Sci. U.S.A. 2018 Apr;115:3686-3691; Carlo MI et al. J Clin Oncol, 2020 02;38:406-414; Akcay IM et al. Int J Cancer, 2021 01;148:285-295). This variant is considered to be rare based on population cohorts in the Genome Aggregation Database (gnomAD). In addition to the clinical data presented in the literature, this alteration is expected to result in loss of function by premature protein truncation or nonsense-mediated mRNA decay. As such, this alteration is interpreted as a disease-causing mutation.

Daryl Scott Lab, Baylor College of Medicine
Classification: Pathogenic for Nijmegen breakage syndrome-like disorder. Last evaluated: 2024-01-01. Review status: criteria provided, single submitter. Criteria: ACMG Guidelines, 2015. Collection method: clinical testing. Allele origin: paternal. Observed: 1 heterozygote.
Comment: PVS1, PM2

Baylor Genetics
Classification: Pathogenic for Nijmegen breakage syndrome-like disorder. Last evaluated: 2023-12-28. Review status: criteria provided, single submitter. Criteria: ACMG Guidelines, 2015. Collection method: clinical testing. Allele origin: unknown.

CeGaT Center for Human Genetics Tuebingen
Classification: Uncertain significance. Last evaluated: 2022-10-01. Review status: criteria provided, single submitter. Criteria: CeGaT Center For Human Genetics Tuebingen Variant Classification Criteria Version 2. Collection method: clinical testing. Allele origin: germline. Affected: yes. Observed: 4 variant alleles.
Comment: RAD50: PVS1:Moderate, PM2:Supporting

GeneKor MSA
Classification: Pathogenic for Hereditary cancer-predisposing syndrome. Last evaluated: 2021-01-09. Review status: criteria provided, single submitter. Criteria: ACMG Guidelines, 2015. Collection method: clinical testing. Allele origin: germline. Affected: yes.
Comment: This variation is a deletion of 4 nucleotides from exon 3 of the RAD50 mRNA, causing a frameshift after codon 109 and the creation of a premature translation stop signal 20 amino acid residues later - p.(Thr109Asnfs*20). This is expected to result in an absent or disrupted protein product. The mutation database ClinVar contains entries for this variant (Variation ID: 128017).

Laboratory of Medical Genetics Unit, Bambino Gesù Children's Hospital
Classification: Likely pathogenic for Medulloblastoma. Review status: criteria provided, single submitter. Criteria: ACMG Guidelines, 2015. Collection method: research. Allele origin: germline. Affected: yes.
Comment: The variant NM_005732.4 (RAD50): c.323_326delAGAC (p.Thr109fs*19) is rare in GnomAD and it is not reported in literature. It is annotated on Clinvar as pathogenic in Hereditary Cancer-predisposing Syndrome [RCV000115954]. It is classified as likely pathogenic variant following the ACMG criteria (PM3, PVS1 and PM2).

PreventionGenetics, part of Exact Sciences
Classification: Pathogenic for RAD50-related condition. Last evaluated: 2024-09-12. Review status: no assertion criteria provided. Collection method: clinical testing. Allele origin: germline. Not counted in ClinVar's aggregate classification.
Comment: The RAD50 c.326_329delCAGA variant is predicted to result in a frameshift and premature protein termination (p.Thr109Asnfs*20). This variant has been reported in individuals with various cancers, including breast cancer, soft tissue sarcoma, or urothelial cancer (Foley et al. 2015. PubMed ID: 26023681; Schrader et al. 2016. PubMed ID: 26556299, reported as c.323_326delAGAC; Perkins et al. 2018. PubMed ID: 29555771; Carlo et al. 2020. PubMed ID: 31794323; Akcay et al. 2020. PubMed ID: 32658311, supplementary data). This variant is reported in 0.0070% of alleles in individuals of European (Non-Finnish) descent in gnomAD. Frameshift variants in RAD50 are expected to be pathogenic. This variant is interpreted as pathogenic.

Medical Genetics Laboratory, Umraniye Training and Research Hospital, University of Health Sciences
Classification: Pathogenic for Breast carcinoma. Last evaluated: 2021-08-09. Review status: no assertion criteria provided. Collection method: clinical testing. Allele origin: germline. Affected: yes. Observed: 1 variant allele, 1 heterozygote. Not counted in ClinVar's aggregate classification.

Literature cited by the submitters: PubMed 19409520 (cited by Labcorp Genetics (formerly Invitae), Labcorp); PubMed 26023681 (cited by Labcorp Genetics (formerly Invitae), Labcorp and Ambry Genetics); PubMed 28123851 (cited by Ambry Genetics); PubMed 31794323 (cited by Ambry Genetics); PubMed 31980526 (cited by Ambry Genetics); PubMed 32658311 (cited by Ambry Genetics); PubMed 33471991 (cited by Ambry Genetics).